The following is an entry in ClinVar:

NM_014625.4(NPHS2):c.73_74del (p.Lys25fs)

Gene: NPHS2 (NPHS2 stomatin family member, podocin; minus strand). Cytogenetic location: 1q25.2.
Variant type: Deletion.
Coding change: c.73_74del on transcript NM_014625.4 (MANE Select); coding-DNA positions 73 to 74, 2 bases deleted (AA; older notation c.73_74delAA).
Protein change: p.Lys25fs; shifts the reading frame from lysine 25.
Molecular consequence: frameshift variant.
Genome position (GRCh38, 1-based): chr1:179,575,791-179,575,792, TT deleted on the plus strand (AA on the coding strand, the reverse complement: NPHS2 is on the minus strand). VCF-style (leftmost placement, unchanged base first): chr1-179575790-CTT-C. GRCh37 (hg19) VCF-style: chr1-179544925-CTT-C.
Other names: c.73_74del, p.Lys25fs (NM_001297575.2); c.73_74delAA, p.Lys25Glufs (NM_014625.3); short protein forms K25fs.
Identifiers: ClinVar variation 4815734 (VCV004815734.1).

ClinVar aggregate classification (germline): Likely pathogenic (1 of 4 stars; one submission).

Conditions:
Steroid-resistant nephrotic syndrome. Identifiers: MedGen C0403397, MONDO:0044765, HP:0012588.

Submission:

Natera, Inc.
Classification: Likely pathogenic for Steroid-resistant nephrotic syndrome. Last evaluated: 2025-11-03. Review status: criteria provided, single submitter. Criteria: Natera Variant Classification Schema (03/2026). Collection method: clinical testing. Allele origin: germline.
Comment: The c.73_74del variant in NPHS2 is a frameshift variant predicted to shift the reading frame beginning at codon 25 and leads to a stop codon 44 codons downstream. This variant is expected to result in nonsense mediated decay, truncation, or a dysfunctional protein product. This variant is rare in the general population with a frequency below the threshold expected for the associated phenotype(s). Given the available evidence, this variant is classified as Likely Pathogenic.